The following is an entry in ClinVar:

ClinVar aggregate classification (germline): Pathogenic. Review status: criteria provided, multiple submitters, no conflicts (2 of 4 stars). 2 submissions from 2 submitters: Pathogenic (2). Last evaluated 2024-10-02.

Conditions:
Inborn genetic diseases. Identifiers: MedGen C0950123, MeSH D030342.
Charcot-Marie-Tooth disease type 4. Also called: Charcot-Marie-Tooth disease, type IV; Charcot-Marie-Tooth, Type 4. Identifiers: Orphanet 64749, MedGen C4082197, MONDO:0018995.

Allele frequency attached by ClinVar (database versions not stated): TOPMed 0.00002.

Submissions (2):

Labcorp Genetics (formerly Invitae), Labcorp
Classification: Pathogenic for Charcot-Marie-Tooth disease type 4. Last evaluated: 2024-10-02. Review status: criteria provided, single submitter. Criteria: Invitae Variant Classification Sherloc (09022015). Collection method: clinical testing. Allele origin: germline.
Comment: This sequence change creates a premature translational stop signal (p.Tyr77*) in the PRX gene. It is expected to result in an absent or disrupted protein product. Loss-of-function variants in PRX are known to be pathogenic (PMID: 11133365). This variant is present in population databases (rs752192677, gnomAD 0.003%). This premature translational stop signal has been observed in individual(s) with neuropathy (PMID: 25614874). ClinVar contains an entry for this variant (Variation ID: 574671). For these reasons, this variant has been classified as Pathogenic.

Ambry Genetics
Classification: Pathogenic for Inborn genetic diseases. Last evaluated: 2020-12-08. Review status: criteria provided, single submitter. Criteria: Ambry Variant Classification Scheme 2023. Collection method: clinical testing. Allele origin: germline.
Comment: The p.Y77* pathogenic mutation (also known as c.231C>G), located in coding exon 3 of the PRX gene, results from a C to G substitution at nucleotide position 231. This changes the amino acid from a tyrosine to a stop codon within coding exon 3. This alteration was detected in a neuropathy cohort; however, clinical details were limited (DiVincenzo C et al. Mol Genet Genomic Med, 2014 Nov;2:522-9). This alteration is expected to result in loss of function by premature protein truncation or nonsense-mediated mRNA decay. As such, this alteration is interpreted as a disease-causing mutation.

Literature cited by the submitters: PubMed 11133365 (cited by Labcorp Genetics (formerly Invitae), Labcorp); PubMed 25614874 (cited by Labcorp Genetics (formerly Invitae), Labcorp and Ambry Genetics).

NM_181882.3(PRX):c.231C>G (p.Tyr77Ter)

Gene: PRX (periaxin; minus strand). Cytogenetic location: 19q13.2.
Variant type: single nucleotide variant.
Coding change: c.231C>G on transcript NM_181882.3 (MANE Select); coding-DNA position 231, C replaced by G.
Protein change: p.Tyr77Ter; replaces tyrosine 77 with a stop codon.
Molecular consequence: nonsense.
Genome position (GRCh38, 1-based): chr19:40,398,770, G>C on the plus strand (C>G on the coding strand, the complement: PRX is on the minus strand). VCF-style: chr19-40398770-G-C. GRCh37 (hg19) VCF-style: chr19-40904677-G-C.
Other names: c.231C>G, p.Tyr77Ter (NM_020956.2); short protein forms Y77*.
Identifiers: ClinVar variation 574671 (VCV000574671.13), dbSNP rs752192677, ClinGen allele CA9444529.